The following is an entry in ClinVar:

NM_001330260.2(SCN8A):c.5735G>A (p.Arg1912Lys)

Gene: SCN8A (sodium voltage-gated channel alpha subunit 8; plus strand). Cytogenetic location: 12q13.13.
Variant type: single nucleotide variant.
Coding change: c.5735G>A on transcript NM_001330260.2 (MANE Select); coding-DNA position 5735, G replaced by A.
Protein change: p.Arg1912Lys; replaces arginine 1912 with lysine.
Molecular consequence: missense variant.
Genome position (GRCh38, 1-based): chr12:51,807,221, G>A. VCF-style: chr12-51807221-G-A. GRCh37 (hg19) VCF-style: chr12-52201005-G-A.
Other names: c.5612G>A, p.Arg1871Lys (NM_001177984.3, NM_001369788.1); c.5735G>A, p.Arg1912Lys (NM_014191.4); c.5735G>A (NM_014191.2); short protein forms R1871K, R1912K.
Identifiers: ClinVar variation 1001013 (VCV001001013.8), dbSNP rs764108136, ClinGen allele CA6571947.

ClinVar aggregate classification (germline): Uncertain significance. Review status: criteria provided, multiple submitters, no conflicts (2 of 4 stars). 2 submissions from 2 submitters: Uncertain significance (2). Last evaluated 2026-05-21.

Conditions:
Early-infantile DEE. Also called: Early infantile epileptic encephalopathy with suppression bursts; Early infantile epileptic encephalopathy; Ohtahara syndrome. Identifiers: Orphanet 1934, MedGen C0393706, MONDO:0800491.
Inborn genetic diseases. Identifiers: MedGen C0950123, MeSH D030342.

Allele frequency attached by ClinVar (database versions not stated): TOPMed 0.00004; gnomAD exomes below 0.00001; ExAC 0.00001; gnomAD 0.00004 and 0.00003.
gnomAD v4.1: 9 of 1,613,880 alleles (0.00056%); highest among the groups gnomAD compares: African/African-American, 0.0093%; no homozygotes.

Submissions (2):

Ambry Genetics
Classification: Uncertain significance for Inborn genetic diseases. Last evaluated: 2026-05-21. Review status: criteria provided, single submitter. Criteria: Ambry Variant Classification Scheme 2023. Collection method: clinical testing. Allele origin: germline.
Comment: The c.5735G>A (p.R1912K) alteration is located in exon 27 (coding exon 26) of the SCN8A gene. This alteration results from a G to A substitution at nucleotide position 5735, causing the arginine (R) at amino acid position 1912 to be replaced by a lysine (K). Based on data from gnomAD, the A allele has an overall frequency of 0.001% (2/280644) total alleles studied. The highest observed frequency was 0.008% (2/24194) of African alleles. Based on insufficient or conflicting evidence, the clinical significance of this alteration remains unclear.

Labcorp Genetics (formerly Invitae), Labcorp
Classification: Uncertain significance for Early-infantile DEE. Last evaluated: 2025-06-01. Review status: criteria provided, single submitter. Criteria: Invitae Variant Classification Sherloc (09022015). Collection method: clinical testing. Allele origin: germline.
Comment: This sequence change replaces arginine, which is basic and polar, with lysine, which is basic and polar, at codon 1912 of the SCN8A protein (p.Arg1912Lys). This variant is present in population databases (rs764108136, gnomAD 0.008%). This variant has not been reported in the literature in individuals affected with SCN8A-related conditions. ClinVar contains an entry for this variant (Variation ID: 1001013). Invitae Evidence Modeling of protein sequence and biophysical properties (such as structural, functional, and spatial information, amino acid conservation, physicochemical variation, residue mobility, and thermodynamic stability) indicates that this missense variant is not expected to disrupt SCN8A protein function with a negative predictive value of 95%. In summary, the available evidence is currently insufficient to determine the role of this variant in disease. Therefore, it has been classified as a Variant of Uncertain Significance.